The following is an entry in ClinVar:

ClinVar aggregate classification (germline): Uncertain significance. Review status: criteria provided, multiple submitters, no conflicts (2 of 4 stars). 2 submissions from 2 submitters: Uncertain significance (2). Last evaluated 2023-06-26.

Conditions:
Inborn genetic diseases. Identifiers: MedGen C0950123, MeSH D030342.

Allele frequency attached by ClinVar (database versions not stated): TOPMed below 0.00001; ExAC 0.00001; gnomAD exomes 0.00002.
gnomAD v4.1: 23 of 1,614,160 alleles (0.0014%); highest among the groups gnomAD compares: Non-Finnish European, 0.0019%; no homozygotes.

Submissions (2):

Ambry Genetics
Classification: Uncertain significance for Inborn genetic diseases. Last evaluated: 2023-06-26. Review status: criteria provided, single submitter. Criteria: Ambry Variant Classification Scheme 2023. Collection method: clinical testing. Allele origin: germline.

Labcorp Genetics (formerly Invitae), Labcorp
Classification: Uncertain significance. Last evaluated: 2022-04-05. Review status: criteria provided, single submitter. Criteria: Invitae Variant Classification Sherloc (09022015). Collection method: clinical testing. Allele origin: germline.
Comment: This sequence change replaces threonine, which is neutral and polar, with isoleucine, which is neutral and non-polar, at codon 702 of the FNIP1 protein (p.Thr702Ile). This variant is present in population databases (rs775757670, gnomAD 0.002%). This variant has not been reported in the literature in individuals affected with FNIP1-related conditions. Algorithms developed to predict the effect of missense changes on protein structure and function (SIFT, PolyPhen-2, Align-GVGD) all suggest that this variant is likely to be tolerated. In summary, the available evidence is currently insufficient to determine the role of this variant in disease. Therefore, it has been classified as a Variant of Uncertain Significance.

NM_133372.3(FNIP1):c.2105C>T (p.Thr702Ile)

Gene: FNIP1 (folliculin interacting protein 1; minus strand). Cytogenetic location: 5q31.1.
Variant type: single nucleotide variant.
Coding change: c.2105C>T on transcript NM_133372.3 (MANE Select); coding-DNA position 2105, C replaced by T.
Protein change: p.Thr702Ile; replaces threonine 702 with isoleucine.
Molecular consequence: missense variant.
Genome position (GRCh38, 1-based): chr5:131,672,339, G>A on the plus strand (C>T on the coding strand, the complement: FNIP1 is on the minus strand). VCF-style: chr5-131672339-G-A. GRCh37 (hg19) VCF-style: chr5-131008032-G-A.
Other names: c.2021C>T, p.Thr674Ile (NM_001008738.3); c.1970C>T, p.Thr657Ile (NM_001346114.2); c.2105C>T (NM_133372.2); short protein forms T702I, T657I, T674I.
Identifiers: ClinVar variation 1946582 (VCV001946582.4), dbSNP rs775757670, ClinGen allele CA3400563.